The following is an entry in ClinVar:

ClinVar aggregate classification (germline): Pathogenic. Review status: reviewed by expert panel (3 of 4 stars). 8 submissions from 8 submitters: Pathogenic (1). 7 of the submissions do not count toward it. Last evaluated 2016-09-08.

Conditions:
Hereditary cancer-predisposing syndrome. Also called: Tumor predisposition; Neoplastic Syndromes, Hereditary; Hereditary Cancer Syndrome; Hereditary neoplastic syndrome. Identifiers: Orphanet 140162, MedGen C0027672, MeSH D009386, MONDO:0015356.
Hereditary breast ovarian cancer syndrome. Also called: Hereditary breast and ovarian cancer syndrome (HBOC); Hereditary breast and ovarian cancer syndrome; Hereditary breast and ovarian cancer; Hereditary breast and/or ovarian cancer syndrome; Breast and ovarian cancer; BRCA1- and BRCA2-Associated Hereditary Breast and Ovarian Cancer. Identifiers: Orphanet 145, MedGen C0677776, MeSH D061325, MONDO:0003582. Disease mechanism: loss of function.
Breast-ovarian cancer, familial, susceptibility to, 1 (BROVCA1). Also called: OVARIAN CANCER, SUSCEPTIBILITY TO; BRCA1 Hereditary Breast and Ovarian Cancer. Identifiers: Orphanet 145, MedGen C2676676, MONDO:0011450, OMIM 604370. Disease mechanism: loss of function.

Allele frequency attached by ClinVar (database versions not stated): TOPMed 0.00001.
gnomAD v4.1: 3 of 1,614,124 alleles (0.00019%); highest among the groups gnomAD compares: Non-Finnish European, 0.00025%; no homozygotes.

Submissions (8):

Evidence-based Network for the Interpretation of Germline Mutant Alleles (ENIGMA)
Classification: Pathogenic for Breast-ovarian cancer, familial, susceptibility to, 1. Last evaluated: 2016-09-08. Review status: reviewed by expert panel. Criteria: ENIGMA BRCA1/2 Classification Criteria (2015). Collection method: curation. Allele origin: germline.
Comment: Variant allele predicted to encode a truncated non-functional protein.

Labcorp Genetics (formerly Invitae), Labcorp
Classification: Pathogenic for Hereditary breast ovarian cancer syndrome. Last evaluated: 2025-06-05. Review status: criteria provided, single submitter. Criteria: Invitae Variant Classification Sherloc (09022015). Collection method: clinical testing. Allele origin: germline. Not counted in ClinVar's aggregate classification.
Comment: This sequence change creates a premature translational stop signal (p.Lys338*) in the BRCA1 gene. It is expected to result in an absent or disrupted protein product. Loss-of-function variants in BRCA1 are known to be pathogenic (PMID: 20104584). This variant is not present in population databases (gnomAD no frequency). This premature translational stop signal has been observed in individual(s) with a personal and/or family history of breast and/or ovarian cancer (PMID: 15998910, 28176296, 29446198, 29681614). This variant is also known as 1131A>T. ClinVar contains an entry for this variant (Variation ID: 54101). For these reasons, this variant has been classified as Pathogenic.

Ambry Genetics
Classification: Pathogenic for Hereditary cancer-predisposing syndrome. Last evaluated: 2025-03-27. Review status: criteria provided, single submitter. Criteria: Ambry Variant Classification Scheme 2023. Collection method: clinical testing. Allele origin: germline. Not counted in ClinVar's aggregate classification.
Comment: The p.K338* pathogenic mutation (also known as c.1012A>T), located in coding exon 9 of the BRCA1 gene, results from an A to T substitution at nucleotide position 1012. This changes the amino acid from a lysine to a stop codon within coding exon 9. This alteration has been identified in multiple individuals diagnosed with breast and/or ovarian cancer (Shi T et al. Int J Cancer, 2017 05;140:2051-2059; Copson ER et al. Lancet Oncol, 2018 02;19:169-180; Liang Y et al. Med Sci Monit, 2018 Apr;24:2465-2475; Deng H et al. Mol Genet Genomic Med, 2019 06;7:e672). This alteration was also identified in a large, worldwide study of BRCA1/2 mutation positive families (Rebbeck TR et al. Hum Mutat, 2018 05;39:593-620). This variant is considered to be rare based on population cohorts in the Genome Aggregation Database (gnomAD). In addition to the clinical data presented in the literature, this alteration is expected to result in loss of function by premature protein truncation or nonsense-mediated mRNA decay. As such, this alteration is interpreted as a disease-causing mutation.

Quest Diagnostics Nichols Institute San Juan Capistrano
Classification: Pathogenic. Last evaluated: 2024-01-15. Review status: criteria provided, single submitter. Criteria: Quest Diagnostics criteria. Collection method: clinical testing. Allele origin: unknown. Not counted in ClinVar's aggregate classification.
Comment: The BRCA1 c.1012A>T (p.Lys338*) variant causes the premature termination of BRCA1 protein synthesis. This variant has been reported in the published literature in multiple individuals with breast and/or ovarian cancer (PMIDs: 36169650 (2022), 33654310 (2021), 30972954 (2019), 30078507 (2018), 28176296 (2017)), and observed in screening studies of individuals with BRCA1 and BRCA2 pathogenic variants (PMID: 29446198 (2018), 20127978 (2010), 15998910 (2005)). This variant has not been reported in large, multi-ethnic general populations (Genome Aggregation Database). Based on the available information, this variant is classified as pathogenic.

Color Diagnostics, LLC DBA Color Health
Classification: Pathogenic for Hereditary cancer-predisposing syndrome. Last evaluated: 2021-04-27. Review status: criteria provided, single submitter. Criteria: ACMG Guidelines, 2015. Collection method: clinical testing. Allele origin: germline. Not counted in ClinVar's aggregate classification.
Comment: This variant changes 1 nucleotide in exon 10 of the BRCA1 gene, creating a premature translation stop signal. This variant is expected to result in an absent or non-functional protein product. To our knowledge, functional studies have not been reported for this variant. This variant has been detected in at least three individuals affected with breast and ovarian cancer and a suspected hereditary breast cancer family (PMID: 20127978, 29681614, 30972954; Color internal data). This variant has not been identified in the general population by the Genome Aggregation Database (gnomAD). Loss of BRCA1 function is a known mechanism of disease. Based on the available evidence, this variant is classified as Pathogenic.

Consortium of Investigators of Modifiers of BRCA1/2 (CIMBA), c/o University of Cambridge
Classification: Pathogenic for Breast-ovarian cancer, familial, susceptibility to, 1. Last evaluated: 2015-10-02. Review status: criteria provided, single submitter. Criteria: CIMBA Mutation Classification guidelines May 2016. Collection method: clinical testing. Allele origin: germline. Not counted in ClinVar's aggregate classification.

Counsyl
Classification: Pathogenic for Breast-ovarian cancer, familial, susceptibility to, 1. Last evaluated: 2017-03-29. Review status: no assertion criteria provided. Collection method: clinical testing. Allele origin: unknown. Not counted in ClinVar's aggregate classification.

Research Molecular Genetics Laboratory, Women's College Hospital, University of Toronto
Classification: Pathogenic for Hereditary breast ovarian cancer syndrome. Last evaluated: 2014-01-31. Review status: no assertion criteria provided. Collection method: research. Allele origin: germline. Affected: yes. Study: The Canadian Open Genetics Repository (COGR). Not counted in ClinVar's aggregate classification.

Literature cited by the submitters: PubMed 20104584 (cited by Labcorp Genetics (formerly Invitae), Labcorp); PubMed 15998910 (cited by 3 submitters); PubMed 28176296 (cited by 3 submitters); PubMed 29446198 (cited by 3 submitters); PubMed 29681614 (cited by Labcorp Genetics (formerly Invitae), Labcorp and Ambry Genetics); PubMed 29337092 (cited by Ambry Genetics); PubMed 30972954 (cited by Ambry Genetics and Quest Diagnostics Nichols Institute San Juan Capistrano); PubMed 20127978 (cited by Quest Diagnostics Nichols Institute San Juan Capistrano and Counsyl); PubMed 36169650 (cited by Quest Diagnostics Nichols Institute San Juan Capistrano); PubMed 33654310 (cited by Quest Diagnostics Nichols Institute San Juan Capistrano); PubMed 30078507 (cited by Quest Diagnostics Nichols Institute San Juan Capistrano).

NM_007294.4(BRCA1):c.1012A>T (p.Lys338Ter)

Gene: BRCA1 (BRCA1 DNA repair associated; minus strand). Cytogenetic location: 17q21.31.
Variant type: single nucleotide variant.
Coding change: c.1012A>T on transcript NM_007294.4 (MANE Select); coding-DNA position 1012, A replaced by T.
Protein change: p.Lys338Ter; replaces lysine 338 with a stop codon.
Molecular consequence: nonsense. On other transcripts: intron variant (137).
Genome position (GRCh38, 1-based): chr17:43,094,519, T>A on the plus strand (A>T on the coding strand, the complement: BRCA1 is on the minus strand). VCF-style: chr17-43094519-T-A. GRCh37 (hg19) VCF-style: chr17-41246536-T-A.
Other names: c.1009A>T, p.Lys337Ter (NM_001407634.1, NM_001407635.1, NM_001407636.1 and 22 more transcripts); c.1012A>T, p.Lys338Ter (NM_001407639.1, NM_001407640.1, NM_001407641.1 and 30 more transcripts); c.1003A>T, p.Lys335Ter (NM_001407646.1, NM_001407647.1); c.889A>T, p.Lys297Ter (NM_001407648.1, NM_001407664.1, NM_001407665.1 and 19 more transcripts); c.886A>T, p.Lys296Ter (NM_001407649.1, NM_001407670.1, NM_001407671.1 and 11 more transcripts); c.934A>T, p.Lys312Ter (NM_001407653.1, NM_001407654.1, NM_001407655.1 and 4 more transcripts); c.931A>T, p.Lys311Ter (NM_001407659.1, NM_001407660.1, NM_001407661.1 and 1 more transcripts); c.871A>T, p.Lys291Ter (NM_001407692.1, NM_001407694.1, NM_001407695.1 and 29 more transcripts); and 40 more; short protein forms K338*, K291*, K210*, K227*, K250*, K297*, K312*, K335*.
Identifiers: ClinVar variation 54101 (VCV000054101.24), dbSNP rs397508826, ClinGen allele CA000683.